The following is an entry in ClinVar:

NM_020223.4(FAM20C):c.674A>G (p.Asn225Ser)

Gene: FAM20C (FAM20C golgi associated secretory pathway kinase; plus strand). Cytogenetic location: 7p22.3.
Variant type: single nucleotide variant.
Coding change: c.674A>G on transcript NM_020223.4 (MANE Select); coding-DNA position 674, A replaced by G.
Protein change: p.Asn225Ser; replaces asparagine 225 with serine.
Molecular consequence: missense variant.
Genome position (GRCh38, 1-based): chr7:195,622, A>G. VCF-style: chr7-195622-A-G. GRCh37 (hg19) VCF-style: chr7-195622-A-G.
Other names: c.674A>G (NM_020223.2); short protein forms N225S.
Identifiers: ClinVar variation 1511608 (VCV001511608.9), dbSNP rs61732569, ClinGen allele CA4108966.

ClinVar aggregate classification (germline): Uncertain significance. Review status: criteria provided, multiple submitters, no conflicts (2 of 4 stars). 2 submissions from 2 submitters: Uncertain significance (2). Last evaluated 2025-02-25.

Conditions:
Inborn genetic diseases. Identifiers: MedGen C0950123, MeSH D030342.

Allele frequency attached by ClinVar (database versions not stated): ExAC 0.00003; gnomAD exomes 0.00003 and 0.00004; gnomAD 0.00011; TOPMed 0.00011; 1000 Genomes Project 30x 0.00016.
gnomAD v4.1: 55 of 1,610,074 alleles (0.0034%); highest among the groups gnomAD compares: African/African-American, 0.027%; no homozygotes.

Submissions (2):

Ambry Genetics
Classification: Uncertain significance for Inborn genetic diseases. Last evaluated: 2025-02-25. Review status: criteria provided, single submitter. Criteria: Ambry Variant Classification Scheme 2023. Collection method: clinical testing. Allele origin: germline.

Labcorp Genetics (formerly Invitae), Labcorp
Classification: Uncertain significance. Last evaluated: 2024-04-03. Review status: criteria provided, single submitter. Criteria: Invitae Variant Classification Sherloc (09022015). Collection method: clinical testing. Allele origin: germline.
Comment: This sequence change replaces asparagine, which is neutral and polar, with serine, which is neutral and polar, at codon 225 of the FAM20C protein (p.Asn225Ser). This variant is present in population databases (rs61732569, gnomAD 0.02%). This variant has not been reported in the literature in individuals affected with FAM20C-related conditions. ClinVar contains an entry for this variant (Variation ID: 1511608). Advanced modeling of protein sequence and biophysical properties (such as structural, functional, and spatial information, amino acid conservation, physicochemical variation, residue mobility, and thermodynamic stability) performed at Invitae indicates that this missense variant is not expected to disrupt FAM20C protein function with a negative predictive value of 80%. In summary, the available evidence is currently insufficient to determine the role of this variant in disease. Therefore, it has been classified as a Variant of Uncertain Significance.